The following is an entry in ClinVar:

NM_024334.3(TMEM43):c.714C>G (p.Asp238Glu)

Gene: TMEM43 (transmembrane protein 43; plus strand). Cytogenetic location: 3p25.1.
Variant type: single nucleotide variant.
Coding change: c.714C>G on transcript NM_024334.3 (MANE Select); coding-DNA position 714, C replaced by G.
Protein change: p.Asp238Glu; replaces aspartic acid 238 with glutamic acid.
Molecular consequence: missense variant. On other transcripts: intron variant (1).
Genome position (GRCh38, 1-based): chr3:14,135,166, C>G. VCF-style: chr3-14135166-C-G. GRCh37 (hg19) VCF-style: chr3-14176666-C-G.
Other names: c.714C>G, p.Asp238Glu (NM_001407276.1, NM_001407277.1, NM_001407275.1); c.699C>G, p.Asp233Glu (NM_001407278.1); c.564C>G, p.Asp188Glu (NM_001407280.1); c.705+275C>G (NM_001407279.1); c.717C>G, p.Asp239Glu (NM_001407274.1); short protein forms D238E, D188E, D233E, D239E.
Identifiers: ClinVar variation 3660679 (VCV003660679.2).

ClinVar aggregate classification (germline): Uncertain significance (1 of 4 stars; one submission).

Conditions:
Arrhythmogenic right ventricular dysplasia 5. Also called: Arrhythmogenic Right Ventricular Dysplasia/Cardiomyopathy 5; ARRHYTHMOGENIC RIGHT VENTRICULAR DYSPLASIA, FAMILIAL, 5. Identifiers: MedGen C1858379, MONDO:0011459, OMIM 604400.

gnomAD v4.1: 2 of 1,612,336 alleles (0.00012%); highest among the groups gnomAD compares: African/African-American, 0.0027%; no homozygotes.

Submission:

Labcorp Genetics (formerly Invitae), Labcorp
Classification: Uncertain significance for Arrhythmogenic right ventricular dysplasia 5. Last evaluated: 2024-07-27. Review status: criteria provided, single submitter. Criteria: Invitae Variant Classification Sherloc (09022015). Collection method: clinical testing. Allele origin: germline.
Comment: This sequence change replaces aspartic acid, which is acidic and polar, with glutamic acid, which is acidic and polar, at codon 238 of the TMEM43 protein (p.Asp238Glu). This variant is not present in population databases (gnomAD no frequency). This variant has not been reported in the literature in individuals affected with TMEM43-related conditions. Advanced modeling of protein sequence and biophysical properties (such as structural, functional, and spatial information, amino acid conservation, physicochemical variation, residue mobility, and thermodynamic stability) performed at Invitae indicates that this missense variant is expected to disrupt TMEM43 protein function with a positive predictive value of 80%. In summary, the available evidence is currently insufficient to determine the role of this variant in disease. Therefore, it has been classified as a Variant of Uncertain Significance.